The following is an entry in ClinVar:

NM_000051.4(ATM):c.2603A>T (p.Asp868Val)

Gene: ATM (ATM serine/threonine kinase; plus strand). Cytogenetic location: 11q22.3.
Variant type: single nucleotide variant.
Coding change: c.2603A>T on transcript NM_000051.4 (MANE Select); coding-DNA position 2603, A replaced by T.
Protein change: p.Asp868Val; replaces aspartic acid 868 with valine.
Molecular consequence: missense variant.
Genome position (GRCh38, 1-based): chr11:108,267,307, A>T. VCF-style: chr11-108267307-A-T. GRCh37 (hg19) VCF-style: chr11-108138034-A-T.
Other names: c.2603A>T, p.Asp868Val (NM_001351834.2); short protein forms D868V.
Identifiers: ClinVar variation 821558 (VCV000821558.4), dbSNP rs750322758, ClinGen allele CA382544121.

ClinVar aggregate classification (germline): Uncertain significance (1 of 4 stars; one submission).

Conditions:
Hereditary cancer-predisposing syndrome. Also called: Tumor predisposition; Hereditary Cancer Syndrome; Neoplastic Syndromes, Hereditary; Hereditary neoplastic syndrome. Identifiers: Orphanet 140162, MedGen C0027672, MeSH D009386, MONDO:0015356.

Submission:

Ambry Genetics
Classification: Uncertain significance for Hereditary cancer-predisposing syndrome. Last evaluated: 2019-07-08. Review status: criteria provided, single submitter. Criteria: Ambry Variant Classification Scheme 2023. Collection method: clinical testing. Allele origin: germline.
Comment: The p.D868V variant (also known as c.2603A>T), located in coding exon 16 of the ATM gene, results from an A to T substitution at nucleotide position 2603. The aspartic acid at codon 868 is replaced by valine, an amino acid with highly dissimilar properties. This amino acid position is well conserved in available vertebrate species. In addition, the in silico prediction for this alteration is inconclusive. Since supporting evidence is limited at this time, the clinical significance of this alteration remains unclear.